The following is an entry in ClinVar:

NM_006922.4(SCN3A):c.3763A>G (p.Met1255Val)

Gene: SCN3A (sodium voltage-gated channel alpha subunit 3; minus strand). Cytogenetic location: 2q24.3.
Variant type: single nucleotide variant.
Coding change: c.3763A>G on transcript NM_006922.4 (MANE Select); coding-DNA position 3763, A replaced by G.
Protein change: p.Met1255Val; replaces methionine 1255 with valine.
Molecular consequence: missense variant.
Genome position (GRCh38, 1-based): chr2:165,112,965, T>C on the plus strand (A>G on the coding strand, the complement: SCN3A is on the minus strand). VCF-style: chr2-165112965-T-C. GRCh37 (hg19) VCF-style: chr2-165969475-T-C.
Other names: c.3616A>G, p.Met1206Val (NM_001081676.2, NM_001081677.2); short protein forms M1206V, M1255V.
Identifiers: ClinVar variation 1718576 (VCV001718576.5), dbSNP rs1686191001, ClinGen allele CA349032445.

ClinVar aggregate classification (germline): Uncertain significance (1 of 4 stars; one submission).

Allele frequency attached by ClinVar (database versions not stated): TOPMed below 0.00001.

Submission:

Labcorp Genetics (formerly Invitae), Labcorp
Classification: Uncertain significance. Last evaluated: 2022-09-20. Review status: criteria provided, single submitter. Criteria: Invitae Variant Classification Sherloc (09022015). Collection method: clinical testing. Allele origin: germline.
Comment: In summary, the available evidence is currently insufficient to determine the role of this variant in disease. Therefore, it has been classified as a Variant of Uncertain Significance. Advanced modeling of protein sequence and biophysical properties (such as structural, functional, and spatial information, amino acid conservation, physicochemical variation, residue mobility, and thermodynamic stability) has been performed at Invitae for this missense variant, however the output from this modeling did not meet the statistical confidence thresholds required to predict the impact of this variant on SCN3A protein function. This sequence change replaces methionine, which is neutral and non-polar, with valine, which is neutral and non-polar, at codon 1255 of the SCN3A protein (p.Met1255Val). This variant is not present in population databases (gnomAD no frequency). This variant has not been reported in the literature in individuals affected with SCN3A-related conditions.